The following is an entry in ClinVar:

ClinVar aggregate classification (germline): Likely benign. Review status: criteria provided, multiple submitters, no conflicts (2 of 4 stars). 3 submissions from 3 submitters: Likely benign (2). 1 of the submissions does not count toward it. Last evaluated 2026-01-21.

Conditions:
NPHP3-related disorder. Also called: NPHP3-related disorders; NPHP3-related condition. Identifiers: MedGen CN379163.
Nephronophthisis. Also called: Juvenile Nephronophthisis. Identifiers: Orphanet 655, MedGen C0687120, MONDO:0019005, HP:0000090.

Allele frequency attached by ClinVar (database versions not stated): ExAC 0.00002; gnomAD 0.00002; gnomAD exomes 0.00002; TOPMed 0.00002.
gnomAD v4.1: 27 of 1,613,798 alleles (0.0017%); highest among the groups gnomAD compares: African/African-American, 0.0027%; no homozygotes.

Submissions (3):

Labcorp Genetics (formerly Invitae), Labcorp
Classification: Likely benign for Nephronophthisis. Last evaluated: 2026-01-21. Review status: criteria provided, single submitter. Criteria: Invitae Variant Classification Sherloc (09022015). Collection method: clinical testing. Allele origin: germline.

Blueprint Genetics
Classification: Likely benign. Last evaluated: 2023-04-11. Review status: criteria provided, single submitter. Criteria: ACMG Guidelines, 2015. Collection method: clinical testing. Allele origin: germline.

PreventionGenetics, part of Exact Sciences
Classification: Likely benign for NPHP3-related condition. Last evaluated: 2022-08-26. Review status: no assertion criteria provided. Collection method: clinical testing. Allele origin: germline. Not counted in ClinVar's aggregate classification.
Comment: This variant is classified as likely benign based on ACMG/AMP sequence variant interpretation guidelines (Richards et al. 2015 PMID: 25741868, with internal and published modifications).

NM_153240.5(NPHP3):c.3204C>T (p.Tyr1068=)

Genes: NPHP3 (nephrocystin 3; minus strand), NPHP3-ACAD11 (NPHP3-ACAD11 readthrough (NMD candidate); minus strand). Cytogenetic location: 3q22.1.
Variant type: single nucleotide variant.
Coding change: c.3204C>T on transcript NM_153240.5 (MANE Select); coding-DNA position 3204, C replaced by T.
Protein change: p.Tyr1068=; no amino-acid change (tyrosine 1068 retained).
Molecular consequence: synonymous variant. On other transcripts: non-coding transcript variant (1).
Genome position (GRCh38, 1-based): chr3:132,686,385, G>A on the plus strand (C>T on the coding strand, the complement: NPHP3 is on the minus strand). VCF-style: chr3-132686385-G-A. GRCh37 (hg19) VCF-style: chr3-132405229-G-A.
Other names: c.3204C>T (NM_153240.4).
Identifiers: ClinVar variation 2958079 (VCV002958079.6), dbSNP rs755555931, ClinGen allele CA2621801.